The following is an entry in ClinVar:

NM_001099922.3(ALG13):c.1087+18A>G

Gene: ALG13 (ALG13 UDP-N-acetylglucosaminyltransferase subunit; plus strand). Cytogenetic location: Xq23.
Variant type: single nucleotide variant.
Coding change: c.1087+18A>G on transcript NM_001099922.3 (MANE Select); 18 bases into the intron after coding-DNA position 1087, A replaced by G.
Molecular consequence: intron variant.
Genome position (GRCh38, 1-based): chrX:111,717,945, A>G. VCF-style: chrX-111717945-A-G. GRCh37 (hg19) VCF-style: chrX-110961173-A-G.
Other names: c.775+18A>G (NM_001257237.2, NM_001324293.1, NM_001257234.2 and 1 more transcripts); c.853+18A>G (NM_001257231.2); c.1087+18A>G (NM_001324292.2).
Identifiers: ClinVar variation 390653 (VCV000390653.9), dbSNP rs374773161, ClinGen allele CA10493661.
Genomic context (GRCh38, chrX:111,717,945, plus strand): 5'-GTGTACTCAAAACAATTTCAGTCAAGTGCAGCTGTTTGTCAGGGTATGTGAAGGCTTTAT[A>G]AATTGTGGGTGTGATTTCAGATGACTTGTTTTCACTCAGGGACCCACCATGAATAGCCCC-3'

ClinVar aggregate classification (germline): Likely benign. Review status: criteria provided, multiple submitters, no conflicts (2 of 4 stars). 2 submissions from 2 submitters: Likely benign (2). Last evaluated 2024-06-04.

Conditions:
Developmental and epileptic encephalopathy, 36 (DEE36). Also called: Congenital disorder of glycosylation, type Is; Epileptic encephalopathy, early infantile, 36; ALG13-CDG. Identifiers: Orphanet 324422, MedGen C4317295, MONDO:0010472, OMIM 300884.

Allele frequency attached by ClinVar (database versions not stated): gnomAD exomes 0.00002; ExAC 0.00005; gnomAD 0.00005; TOPMed 0.00007; ESP Exome Variant Server 0.00025.
gnomAD v4.1: 5 of 1,179,324 alleles (0.00042%); highest among the groups gnomAD compares: African/African-American, 0.0088%; no homozygotes.

Submissions (2):

Labcorp Genetics (formerly Invitae), Labcorp
Classification: Likely benign for Developmental and epileptic encephalopathy, 36. Last evaluated: 2024-06-04. Review status: criteria provided, single submitter. Criteria: Invitae Variant Classification Sherloc (09022015). Collection method: clinical testing. Allele origin: germline.

GeneDx
Classification: Likely benign. Last evaluated: 2016-11-03. Review status: criteria provided, single submitter. Criteria: GeneDx Variant Classification (06012015). Collection method: clinical testing. Allele origin: germline. Affected: yes.
Comment: This variant is considered likely benign or benign based on one or more of the following criteria: it is a conservative change, it occurs at a poorly conserved position in the protein, it is predicted to be benign by multiple in silico algorithms, and/or has population frequency not consistent with disease.